The following is an entry in ClinVar:

NM_138295.5(PKD1L1):c.1388A>C (p.Gln463Pro)

Gene: PKD1L1 (polycystin 1 like 1, transient receptor potential channel interacting; minus strand). Cytogenetic location: 7p12.3.
Variant type: single nucleotide variant.
Coding change: c.1388A>C on transcript NM_138295.5 (MANE Select); coding-DNA position 1388, A replaced by C.
Protein change: p.Gln463Pro; replaces glutamine 463 with proline.
Molecular consequence: missense variant.
Genome position (GRCh38, 1-based): chr7:47,908,091, T>G on the plus strand (A>C on the coding strand, the complement: PKD1L1 is on the minus strand). VCF-style: chr7-47908091-T-G. GRCh37 (hg19) VCF-style: chr7-47947688-T-G.
Other names: short protein forms Q463P.
Identifiers: ClinVar variation 3345261 (VCV003345261.1).

ClinVar aggregate classification (germline): Uncertain significance (0 of 4 stars; one submission).

Conditions:
PKD1L1-related disorder. Also called: PKD1L1-related condition.

Submission:

PreventionGenetics, part of Exact Sciences
Classification: Uncertain significance for PKD1L1-related condition. Last evaluated: 2024-08-07. Review status: no assertion criteria provided. Collection method: clinical testing. Allele origin: germline.
Comment: The PKD1L1 c.1388A>C variant is predicted to result in the amino acid substitution p.Gln463Pro. To our knowledge, this variant has not been reported in the literature or in a large population database, indicating this variant is rare. At this time, the clinical significance of this variant is uncertain due to the absence of conclusive functional and genetic evidence.